The following is an entry in ClinVar:

ClinVar aggregate classification (germline): Uncertain significance. Review status: criteria provided, multiple submitters, no conflicts (2 of 4 stars). 2 submissions from 2 submitters: Uncertain significance (2). Last evaluated 2025-12-07.

Conditions:
RASopathy. Also called: Noonan spectrum disorder; rasopathies. Identifiers: Orphanet 536391, MedGen C5555857, MONDO:0021060.

Allele frequency attached by ClinVar (database versions not stated): TOPMed below 0.00001; gnomAD 0.00001.
gnomAD v4.1: 1 of 1,614,014 alleles (0.000062%); highest among the groups gnomAD compares: African/African-American, 0.0013%; no homozygotes.

Submissions (2):

GeneDx
Classification: Uncertain significance. Last evaluated: 2025-12-07. Review status: criteria provided, single submitter. Criteria: GeneDx Variant Classification Process June 2021. Collection method: clinical testing. Allele origin: germline. Affected: yes.
Comment: Not observed at significant frequency in large population cohorts (gnomAD); In silico analysis supports that this missense variant has a deleterious effect on protein structure/function; Missense variants in this gene are a common cause of disease and they are underrepresented in the general population; Has not been previously published as pathogenic or benign to our knowledge; This variant is associated with the following publications: (PMID: 29493581)

Labcorp Genetics (formerly Invitae), Labcorp
Classification: Uncertain significance for RASopathy. Last evaluated: 2024-04-10. Review status: criteria provided, single submitter. Criteria: Invitae Variant Classification Sherloc (09022015). Collection method: clinical testing. Allele origin: germline.
Comment: This sequence change replaces alanine, which is neutral and non-polar, with valine, which is neutral and non-polar, at codon 372 of the MAP2K1 protein (p.Ala372Val). This variant is not present in population databases (gnomAD no frequency). This variant has not been reported in the literature in individuals affected with MAP2K1-related conditions. ClinVar contains an entry for this variant (Variation ID: 1326437). Advanced modeling of protein sequence and biophysical properties (such as structural, functional, and spatial information, amino acid conservation, physicochemical variation, residue mobility, and thermodynamic stability) performed at Invitae indicates that this missense variant is not expected to disrupt MAP2K1 protein function with a negative predictive value of 80%. In summary, the available evidence is currently insufficient to determine the role of this variant in disease. Therefore, it has been classified as a Variant of Uncertain Significance.

NM_002755.4(MAP2K1):c.1115C>T (p.Ala372Val)

Genes: MAP2K1 (mitogen-activated protein kinase kinase 1; plus strand), SNAPC5 (small nuclear RNA activating complex polypeptide 5; minus strand). Cytogenetic location: 15q22.31.
Variant type: single nucleotide variant.
Coding change: c.1115C>T on transcript NM_002755.4 (MANE Select); coding-DNA position 1115, C replaced by T.
Protein change: p.Ala372Val; replaces alanine 372 with valine.
Molecular consequence: missense variant. On other transcripts: 3 prime UTR variant (1), non-coding transcript variant (1).
Genome position (GRCh38, 1-based): chr15:66,490,548, C>T. VCF-style: chr15-66490548-C-T. GRCh37 (hg19) VCF-style: chr15-66782886-C-T.
Other names: c.*191G>A (NM_006049.4); c.971C>T, p.Ala324Val (NM_001411065.1); short protein forms A372V, A324V.
Identifiers: ClinVar variation 1326437 (VCV001326437.11), dbSNP rs1893220987, ClinGen allele CA392938981.